The following is an entry in ClinVar:

NM_014845.6(FIG4):c.2323C>T (p.Arg775Cys)

Gene: FIG4 (FIG4 phosphoinositide 5-phosphatase; plus strand). Cytogenetic location: 6q21.
Variant type: single nucleotide variant.
Coding change: c.2323C>T on transcript NM_014845.6 (MANE Select); coding-DNA position 2323, C replaced by T.
Protein change: p.Arg775Cys; replaces arginine 775 with cysteine.
Molecular consequence: missense variant.
Genome position (GRCh38, 1-based): chr6:109,791,518, C>T. VCF-style: chr6-109791518-C-T. GRCh37 (hg19) VCF-style: chr6-110112721-C-T.
Other names: short protein forms R775C.
Identifiers: ClinVar variation 1384182 (VCV001384182.5), dbSNP rs745511182, ClinGen allele CA3956346.

ClinVar aggregate classification (germline): Uncertain significance (1 of 4 stars; one submission).

Conditions:
Charcot-Marie-Tooth disease type 4. Also called: Charcot-Marie-Tooth disease, type IV; Charcot-Marie-Tooth, Type 4. Identifiers: Orphanet 64749, MedGen C4082197, MONDO:0018995.

Allele frequency attached by ClinVar (database versions not stated): gnomAD 0.00001; gnomAD exomes 0.00001 and 0.00004; TOPMed 0.00001; ExAC 0.00004.
gnomAD v4.1: 18 of 1,613,864 alleles (0.0011%); highest among the groups gnomAD compares: South Asian, 0.011%; no homozygotes.

Submission:

Labcorp Genetics (formerly Invitae), Labcorp
Classification: Uncertain significance for Charcot-Marie-Tooth disease type 4. Last evaluated: 2022-10-04. Review status: criteria provided, single submitter. Criteria: Invitae Variant Classification Sherloc (09022015). Collection method: clinical testing. Allele origin: germline.
Comment: This sequence change replaces arginine, which is basic and polar, with cysteine, which is neutral and slightly polar, at codon 775 of the FIG4 protein (p.Arg775Cys). This variant is present in population databases (rs745511182, gnomAD 0.02%). This missense change has been observed in individual(s) with FIG4-related conditions (PMID: 32376792). ClinVar contains an entry for this variant (Variation ID: 1384182). Algorithms developed to predict the effect of missense changes on protein structure and function output the following: SIFT: "Deleterious"; PolyPhen-2: "Possibly Damaging"; Align-GVGD: "Class C55". The cysteine amino acid residue is found in multiple mammalian species, which suggests that this missense change does not adversely affect protein function. In summary, the available evidence is currently insufficient to determine the role of this variant in disease. Therefore, it has been classified as a Variant of Uncertain Significance.

Literature cited by the submitters: PubMed 32376792.